The following is an entry in ClinVar:

ClinVar aggregate classification (germline): Uncertain significance (1 of 4 stars; one submission).

Allele frequency attached by ClinVar (database versions not stated): gnomAD exomes below 0.00001; TOPMed 0.00001.
gnomAD v4.1: 2 of 1,550,418 alleles (0.00013%); highest among the groups gnomAD compares: Non-Finnish European, 0.00017%; no homozygotes.

Submission:

Labcorp Genetics (formerly Invitae), Labcorp
Classification: Uncertain significance. Last evaluated: 2025-03-12. Review status: criteria provided, single submitter. Criteria: Invitae Variant Classification Sherloc (09022015). Collection method: clinical testing. Allele origin: germline.
Comment: This sequence change replaces glycine, which is neutral and non-polar, with aspartic acid, which is acidic and polar, at codon 872 of the MICAL1 protein (p.Gly872Asp). This variant is not present in population databases (gnomAD no frequency). This variant has not been reported in the literature in individuals affected with MICAL1-related conditions. ClinVar contains an entry for this variant (Variation ID: 1523131). An algorithm developed to predict the effect of missense changes on protein structure and function (PolyPhen-2) suggests that this variant is likely to be disruptive. In summary, the available evidence is currently insufficient to determine the role of this variant in disease. Therefore, it has been classified as a Variant of Uncertain Significance.

NM_022765.4(MICAL1):c.2558G>A (p.Gly853Asp)

Gene: MICAL1 (microtubule associated monooxygenase, calponin and LIM domain containing 1; minus strand). Cytogenetic location: 6q21.
Variant type: single nucleotide variant.
Coding change: c.2558G>A on transcript NM_022765.4 (MANE Select); coding-DNA position 2558, G replaced by A.
Protein change: p.Gly853Asp; replaces glycine 853 with aspartic acid.
Molecular consequence: missense variant.
Genome position (GRCh38, 1-based): chr6:109,446,159, C>T on the plus strand (G>A on the coding strand, the complement: MICAL1 is on the minus strand). VCF-style: chr6-109446159-C-T. GRCh37 (hg19) VCF-style: chr6-109767362-C-T.
Other names: c.2300G>A, p.Gly767Asp (NM_001159291.2); c.2615G>A, p.Gly872Asp (NM_001286613.2); short protein forms G767D, G872D, G853D.
Identifiers: ClinVar variation 1523131 (VCV001523131.8), dbSNP rs201726028, ClinGen allele CA365223092.
Genomic context (GRCh38, chr6:109,446,159, plus strand): 5'-CCCACCCTGGGTCAGCACATCTGTGAGGATGGGTTACCTTGAGGGCTCTGGACTGGCAGG[C>T]CCCAGCCCACAAAGCTGCTCTCCAGGGCGTGGCGGGCCAAGGCGGAGCAGCTGCGGGGAG-3'
Protein context (NP_073602.3, residues 843-863): HALESSFVGW[Gly853Asp]LPVQSPQALV